The following is an entry in ClinVar:

ClinVar aggregate classification (germline): Uncertain significance (1 of 4 stars; one submission).

Submission:

GeneDx
Classification: Uncertain significance. Last evaluated: 2023-02-17. Review status: criteria provided, single submitter. Criteria: GeneDx Variant Classification Process June 2021. Collection method: clinical testing. Allele origin: germline.
Comment: Frameshift variant predicted to result in protein truncation or nonsense mediated decay in a gene or region of a gene for which loss of function is not a well-established mechanism of disease; Not observed at significant frequency in large population cohorts (gnomAD); Has not been previously published as pathogenic or benign to our knowledge; Variants in candidate genes are classified as variants of uncertain significance in accordance with ACMG guidelines (Richards et al., 2015)

NM_001103146.3(GIGYF2):c.2477_2478insAA (p.Arg828fs)

Gene: GIGYF2 (GRB10 interacting GYF protein 2; plus strand). Cytogenetic location: 2q37.1.
Variant type: Insertion.
Coding change: c.2477_2478insAA on transcript NM_001103146.3 (MANE Select); coding-DNA positions 2477 to 2478, AA inserted.
Protein change: p.Arg828fs; shifts the reading frame from arginine 828.
Molecular consequence: frameshift variant. On other transcripts: non-coding transcript variant (1).
Genome position: GRCh38 VCF-style: chr2-232819933-G-GAA. GRCh37 (hg19) VCF-style: chr2-233684643-G-GAA.
Other names: c.2540_2541insAA, p.Arg849fs (NM_001103147.2); c.2459_2460insAA, p.Arg822fs (NM_001103148.2); c.2477_2478insAA, p.Arg828fs (NM_015575.4); short protein forms R822fs, R828fs, R849fs.
Identifiers: ClinVar variation 4891333 (VCV004891333.1).
Genomic context (GRCh38, chr2:232,819,933, plus strand): 5'-GACAGCGAGAAGAGGAAGAAAGACAGCAGCAAGAAGAAGCTCTTAGAAGACTGGAAGAGA[G>GAA]GAGAAGAGAAGAGGAAGAAAGGCGGAAGCAGGAAGAATTGTTACGCAAACAGGTGACCAG-3'